The following is an entry in ClinVar:

ClinVar aggregate classification (germline): Conflicting classifications of pathogenicity. Review status: criteria provided, conflicting classifications (1 of 4 stars). 3 submissions from 3 submitters: Uncertain significance (2); Likely benign (1). Last evaluated 2024-11-11.

Allele frequency attached by ClinVar (database versions not stated): ExAC 0.00005; gnomAD exomes 0.00005 and 0.00028; gnomAD 0.00007; TOPMed 0.00008.
gnomAD v4.1: 416 of 1,613,274 alleles (0.026%); highest among the groups gnomAD compares: Non-Finnish European, 0.034%; no homozygotes.

Submissions (3):

Labcorp Genetics (formerly Invitae), Labcorp
Classification: Uncertain significance. Last evaluated: 2024-11-11. Review status: criteria provided, single submitter. Criteria: Invitae Variant Classification Sherloc (09022015). Collection method: clinical testing. Allele origin: germline.
Comment: This sequence change replaces tryptophan, which is neutral and slightly polar, with arginine, which is basic and polar, at codon 1512 of the COL4A2 protein (p.Trp1512Arg). This variant is present in population databases (rs200314049, gnomAD 0.01%). This missense change has been observed in individual(s) with clinical features of porencephaly (PMID: 31719132). ClinVar contains an entry for this variant (Variation ID: 1437683). Invitae Evidence Modeling of protein sequence and biophysical properties (such as structural, functional, and spatial information, amino acid conservation, physicochemical variation, residue mobility, and thermodynamic stability) has been performed for this missense variant. However, the output from this modeling did not meet the statistical confidence thresholds required to predict the impact of this variant on COL4A2 protein function. In summary, the available evidence is currently insufficient to determine the role of this variant in disease. Therefore, it has been classified as a Variant of Uncertain Significance.

Women's Health and Genetics/Laboratory Corporation of America, LabCorp
Classification: Uncertain significance. Last evaluated: 2023-10-17. Review status: criteria provided, single submitter. Criteria: LabCorp Variant Classification Summary - May 2015. Collection method: clinical testing. Allele origin: germline.
Comment: Variant summary: COL4A2 c.4534T>C (p.Trp1512Arg) results in a non-conservative amino acid change located in the Collagen IV, non-collagenous domain (IPR001442) outside the collagen triple helix domain of the encoded protein sequence. Five of five in-silico tools predict a damaging effect of the variant on protein function. The variant allele was found at a frequency of 5.3e-05 in 247232 control chromosomes. This frequency does not allow conclusions about variant significance. c.4534T>C has been reported in the literature in an individual affected with features of small vessel disease (SVD), resembling Porencephaly 2, who underwent a multigene panel testing for SVD and SVD-related disorder genes (example, Tan_2019). These report(s) do not provide unequivocal conclusions about association of the variant with Porencephaly 2. To our knowledge, no experimental evidence demonstrating an impact on protein function has been reported. The following publication has been ascertained in the context of this evaluation (PMID: 31719132). Two submitters have cited clinical-significance assessments for this variant to ClinVar after 2014. One submitter classified the variant as likely benign and one submitter classified the variant as uncertain significance. Based on the evidence outlined above, the variant was classified as uncertain significance.

GeneDx
Classification: Likely benign. Last evaluated: 2018-10-29. Review status: criteria provided, single submitter. Criteria: GeneDx Variant Classification Process June 2021. Collection method: clinical testing. Allele origin: germline. Affected: yes.
Comment: See Variant Classification Assertion Criteria.

Literature cited by the submitters: PubMed 31719132 (cited by Labcorp Genetics (formerly Invitae), Labcorp and Women's Health and Genetics/Laboratory Corporation of America, LabCorp).

NM_001846.4(COL4A2):c.4534T>C (p.Trp1512Arg)

Genes: COL4A2 (collagen type IV alpha 2 chain; plus strand), COL4A2-AS1 (COL4A2 antisense RNA 1; minus strand). Cytogenetic location: 13q34.
Variant type: single nucleotide variant.
Coding change: c.4534T>C on transcript NM_001846.4 (MANE Select); coding-DNA position 4534, T replaced by C.
Protein change: p.Trp1512Arg; replaces tryptophan 1512 with arginine.
Molecular consequence: missense variant.
Genome position (GRCh38, 1-based): chr13:110,506,546, T>C. VCF-style: chr13-110506546-T-C. GRCh37 (hg19) VCF-style: chr13-111158893-T-C.
Other names: short protein forms W1512R.
Identifiers: ClinVar variation 1437683 (VCV001437683.8), dbSNP rs200314049, ClinGen allele CA7050569.